The following is an entry in ClinVar:

ClinVar aggregate classification (germline): Uncertain significance (1 of 4 stars; one submission).

Conditions:
Epilepsy, idiopathic generalized, susceptibility to, 13. Also called: EPILEPSY, JUVENILE MYOCLONIC, SUSCEPTIBILITY TO, 5. Identifiers: Orphanet 307, Orphanet 64280, MedGen C4013473, MONDO:0012627, OMIM 611136.
Epilepsy, childhood absence 4 (ECA4). Also called: EPILEPSY, CHILDHOOD ABSENCE, SUSCEPTIBILITY TO, 4. Identifiers: Orphanet 307, MedGen C1970160.
Idiopathic generalized epilepsy. Also called: Generalised epilepsy; EIG. Identifiers: MedGen C0270850, MONDO:0005579, OMIM 600669.

Allele frequency attached by ClinVar (database versions not stated): ExAC 0.00001.
gnomAD v4.1: 2 of 1,613,974 alleles (0.00012%); highest among the groups gnomAD compares: Admixed American, 0.0033%; no homozygotes.

Submission:

Labcorp Genetics (formerly Invitae), Labcorp
Classification: Uncertain significance for Epilepsy, childhood absence 4; Epilepsy, idiopathic generalized, susceptibility to, 13; Idiopathic generalized epilepsy. Last evaluated: 2023-11-27. Review status: criteria provided, single submitter. Criteria: Invitae Variant Classification Sherloc (09022015). Collection method: clinical testing. Allele origin: germline.
Comment: This sequence change replaces valine, which is neutral and non-polar, with glutamic acid, which is acidic and polar, at codon 357 of the GABRA1 protein (p.Val357Glu). This variant is present in population databases (rs749707253, gnomAD 0.006%). This variant has not been reported in the literature in individuals affected with GABRA1-related conditions. ClinVar contains an entry for this variant (Variation ID: 1497399). Advanced modeling of protein sequence and biophysical properties (such as structural, functional, and spatial information, amino acid conservation, physicochemical variation, residue mobility, and thermodynamic stability) performed at Invitae indicates that this missense variant is not expected to disrupt GABRA1 protein function with a negative predictive value of 95%. In summary, the available evidence is currently insufficient to determine the role of this variant in disease. Therefore, it has been classified as a Variant of Uncertain Significance.

NM_001127644.2(GABRA1):c.1070T>A (p.Val357Glu)

Gene: GABRA1 (gamma-aminobutyric acid type A receptor subunit alpha1; plus strand). Cytogenetic location: 5q34.
Variant type: single nucleotide variant.
Coding change: c.1070T>A on transcript NM_001127644.2 (MANE Select); coding-DNA position 1070, T replaced by A.
Protein change: p.Val357Glu; replaces valine 357 with glutamic acid.
Molecular consequence: missense variant.
Genome position (GRCh38, 1-based): chr5:161,897,121, T>A. VCF-style: chr5-161897121-T-A. GRCh37 (hg19) VCF-style: chr5-161324127-T-A.
Other names: c.1070T>A, p.Val357Glu (NM_000806.5, NM_001127643.2, NM_001127645.2 and 1 more transcripts); short protein forms V357E.
Identifiers: ClinVar variation 1497399 (VCV001497399.8), dbSNP rs749707253, ClinGen allele CA3544575.